The following is an entry in ClinVar:

ClinVar aggregate classification (germline): Uncertain significance (1 of 4 stars; one submission).

Conditions:
Primary ciliary dyskinesia. Also called: Ciliary dyskinesia. Identifiers: Orphanet 244, MedGen C0008780, MONDO:0016575, HP:0012265.

Allele frequency attached by ClinVar (database versions not stated): gnomAD exomes below 0.00001; ExAC 0.00001; gnomAD 0.00002; TOPMed 0.00002; ESP Exome Variant Server 0.00008.
gnomAD v4.1: 5 of 1,612,524 alleles (0.00031%); highest among the groups gnomAD compares: African/African-American, 0.004%; no homozygotes.

Submission:

Labcorp Genetics (formerly Invitae), Labcorp
Classification: Uncertain significance for Primary ciliary dyskinesia. Last evaluated: 2022-01-19. Review status: criteria provided, single submitter. Criteria: Invitae Variant Classification Sherloc (09022015). Collection method: clinical testing. Allele origin: germline.
Comment: This variant is not present in population databases (gnomAD no frequency). In summary, the available evidence is currently insufficient to determine the role of this variant in disease. Therefore, it has been classified as a Variant of Uncertain Significance. Algorithms developed to predict the effect of missense changes on protein structure and function output the following: SIFT: "Tolerated"; PolyPhen-2: "Benign"; Align-GVGD: "Class C0". The tryptophan amino acid residue is found in multiple mammalian species, which suggests that this missense change does not adversely affect protein function. This variant has not been reported in the literature in individuals affected with DNAAF5-related conditions. This sequence change replaces arginine, which is basic and polar, with tryptophan, which is neutral and slightly polar, at codon 569 of the DNAAF5 protein (p.Arg569Trp).

NM_017802.4(DNAAF5):c.1705C>T (p.Arg569Trp)

Gene: DNAAF5 (dynein axonemal assembly factor 5; plus strand). Cytogenetic location: 7p22.3.
Variant type: single nucleotide variant.
Coding change: c.1705C>T on transcript NM_017802.4 (MANE Select); coding-DNA position 1705, C replaced by T.
Protein change: p.Arg569Trp; replaces arginine 569 with tryptophan.
Molecular consequence: missense variant. On other transcripts: non-coding transcript variant (1).
Genome position (GRCh38, 1-based): chr7:763,896, C>T. VCF-style: chr7-763896-C-T. GRCh37 (hg19) VCF-style: chr7-803533-C-T.
Other names: short protein forms R569W.
Identifiers: ClinVar variation 2198002 (VCV002198002.4), dbSNP rs375829727, ClinGen allele CA4110823.